The following is an entry in ClinVar:

ClinVar aggregate classification (germline): Likely benign (0 of 4 stars; one submission).

Conditions:
INSR-related disorder.

Allele frequency attached by ClinVar (database versions not stated): ExAC 0.00001; gnomAD 0.00003; TOPMed 0.00006.

Submission:

PreventionGenetics, part of Exact Sciences
Classification: Likely benign for INSR-related condition. Last evaluated: 2022-06-10. Review status: no assertion criteria provided. Collection method: clinical testing. Allele origin: germline.
Comment: This variant is classified as likely benign based on ACMG/AMP sequence variant interpretation guidelines (Richards et al. 2015 PMID: 25741868, with internal and published modifications).

NM_000208.4(INSR):c.1233G>A (p.Lys411=)

Gene: INSR (insulin receptor; minus strand). Cytogenetic location: 19p13.2.
Variant type: single nucleotide variant.
Coding change: c.1233G>A on transcript NM_000208.4 (MANE Select); coding-DNA position 1233, G replaced by A.
Protein change: p.Lys411=; no amino-acid change (lysine 411 retained).
Molecular consequence: synonymous variant.
Genome position (GRCh38, 1-based): chr19:7,172,325, C>T on the plus strand (G>A on the coding strand, the complement: INSR is on the minus strand). VCF-style: chr19-7172325-C-T. GRCh37 (hg19) VCF-style: chr19-7172336-C-T.
Other names: c.1233G>A, p.Lys411= (NM_001079817.3).
Identifiers: ClinVar variation 3054406 (VCV003054406.2), dbSNP rs746682729, ClinGen allele CA9135886.